The following is an entry in ClinVar:

ClinVar aggregate classification (germline): Uncertain significance. Review status: criteria provided, multiple submitters, no conflicts (2 of 4 stars). 4 submissions from 4 submitters: Uncertain significance (4). Last evaluated 2026-04-20.

Conditions:
BBS9-related disorder. Also called: BBS9-related condition.
Bardet-Biedl syndrome (BBS). Identifiers: Orphanet 110, MedGen C0752166, MONDO:0015229.
Bardet-Biedl syndrome 9 (BBS9). Identifiers: Orphanet 110, MedGen C1859567, MONDO:0014437, OMIM 615986.

Allele frequency attached by ClinVar (database versions not stated): TOPMed 0.00002.
gnomAD v4.1: 24 of 1,605,778 alleles (0.0015%); highest among the groups gnomAD compares: African/African-American, 0.0067%; no homozygotes.

Submissions (4):

PreventionGenetics, part of Exact Sciences
Classification: Uncertain significance for BBS9-related condition. Last evaluated: 2026-04-20. Review status: criteria provided, single submitter. Criteria: ACMG Guidelines, 2015. Collection method: clinical testing. Allele origin: germline.
Comment: The BBS9 c.1799G>A variant is predicted to result in the amino acid substitution p.Arg600His. To our knowledge, this variant has not been reported in the literature. This variant is reported in 0.019% of alleles in individuals of African descent in gnomAD. At this time, the clinical significance of this variant is uncertain due to the absence of conclusive functional and genetic evidence.

Blueprint Genetics
Classification: Uncertain significance. Last evaluated: 2023-10-06. Review status: criteria provided, single submitter. Criteria: ACMG Guidelines, 2015. Collection method: clinical testing. Allele origin: germline.

Labcorp Genetics (formerly Invitae), Labcorp
Classification: Uncertain significance for Bardet-Biedl syndrome. Last evaluated: 2022-08-09. Review status: criteria provided, single submitter. Criteria: Invitae Variant Classification Sherloc (09022015). Collection method: clinical testing. Allele origin: germline.
Comment: In summary, the available evidence is currently insufficient to determine the role of this variant in disease. Therefore, it has been classified as a Variant of Uncertain Significance. Algorithms developed to predict the effect of missense changes on protein structure and function are either unavailable or do not agree on the potential impact of this missense change (SIFT: "Deleterious"; PolyPhen-2: "Possibly Damaging"; Align-GVGD: "Class C0"). ClinVar contains an entry for this variant (Variation ID: 853411). This variant has not been reported in the literature in individuals affected with BBS9-related conditions. The frequency data for this variant in the population databases is considered unreliable, as metrics indicate poor data quality at this position in the gnomAD database. This sequence change replaces arginine, which is basic and polar, with histidine, which is basic and polar, at codon 600 of the BBS9 protein (p.Arg600His).

Fulgent Genetics
Classification: Uncertain significance for Bardet-Biedl syndrome 9. Last evaluated: 2021-12-14. Review status: criteria provided, single submitter. Criteria: ACMG Guidelines, 2015. Collection method: clinical testing. Allele origin: unknown.

NM_198428.3(BBS9):c.1799G>A (p.Arg600His)

Gene: BBS9 (Bardet-Biedl syndrome 9; plus strand). Cytogenetic location: 7p14.3.
Variant type: single nucleotide variant.
Coding change: c.1799G>A on transcript NM_198428.3 (MANE Select); coding-DNA position 1799, G replaced by A.
Protein change: p.Arg600His; replaces arginine 600 with histidine.
Molecular consequence: missense variant. On other transcripts: non-coding transcript variant (3).
Genome position (GRCh38, 1-based): chr7:33,383,675, G>A. VCF-style: chr7-33383675-G-A. GRCh37 (hg19) VCF-style: chr7-33423287-G-A.
Other names: c.1694G>A, p.Arg565His (NM_001033604.2); c.1784G>A, p.Arg595His (NM_001033605.2); c.1799G>A, p.Arg600His (NM_001348036.1, NM_001348041.4, NM_001348043.3 and 1 more transcripts); c.1433G>A, p.Arg478His (NM_001348037.3, NM_001348045.3, NM_001348046.3); c.1526G>A, p.Arg509His (NM_001348038.3); c.1421G>A, p.Arg474His (NM_001348039.3); c.1679G>A, p.Arg560His (NM_001348040.3, NM_014451.4); c.1664G>A, p.Arg555His (NM_001348042.3); and 1 more; short protein forms R443H, R478H, R509H, R555H, R595H, R560H, R474H, R565H.
Identifiers: ClinVar variation 853411 (VCV000853411.11), dbSNP rs749018243, ClinGen allele CA4214519.
Genomic context (GRCh38, chr7:33,383,675, plus strand): 5'-ATCTAGTAATTCTGTGTTACTAAGCATTTTTCCTTAATTTTTTTCTCTCAGAACGATATC[G>A]CATTCAGAGTGAACAATTTGAAGATCTTTGGCTCATAACCAATGAGCTTATTCTTCGCCT-3'
Protein context (NP_940820.1, residues 590-610): VLASKTSQRY[Arg600His]IQSEQFEDLW